The following is an entry in ClinVar:

NM_021815.5(SLC5A7):c.1299T>C (p.Tyr433=)

Gene: SLC5A7 (solute carrier family 5 member 7; plus strand). Cytogenetic location: 2q12.3.
Variant type: single nucleotide variant.
Coding change: c.1299T>C on transcript NM_021815.5 (MANE Select); coding-DNA position 1299, T replaced by C.
Protein change: p.Tyr433=; no amino-acid change (tyrosine 433 retained).
Molecular consequence: synonymous variant.
Genome position (GRCh38, 1-based): chr2:108,010,417, T>C. VCF-style: chr2-108010417-T-C. GRCh37 (hg19) VCF-style: chr2-108626873-T-C.
Other names: c.1299T>C (NM_021815.4); c.1299T>C, p.Tyr433= (NM_001305005.3); c.984T>C, p.Tyr328= (NM_001305006.3); c.558T>C, p.Tyr186= (NM_001305007.3).
Identifiers: ClinVar variation 703049 (VCV000703049.37), dbSNP rs144772225, ClinGen allele CA1819158.
Genomic context (GRCh38, chr2:108,010,417, plus strand): 5'-TTACATCGTTATCTTCCCCCAGCTGCTTTGTGTACTCTTTGTTAAGGGAACCAACACCTA[T>C]GGGGCCGTGGCAGGTTATGTTTCTGGCCTCTTCCTGAGAATAACTGGAGGGGAGCCATAT-3'
Protein context (NP_068587.1, residues 423-443): CVLFVKGTNT[Tyr433=]GAVAGYVSGL

ClinVar aggregate classification (germline): Likely benign. Review status: criteria provided, multiple submitters, no conflicts (2 of 4 stars). 3 submissions from 3 submitters: Likely benign (2). 1 of the submissions does not count toward it. Last evaluated 2025-12-01.

Conditions:
SLC5A7-related disorder. Also called: SLC5A7-related condition.
Congenital myasthenic syndrome 20. Also called: Myasthenic syndrome, congenital, 20, presynaptic. Identifiers: MedGen C4310694, MONDO:0014939, OMIM 617143.
Neuronopathy, distal hereditary motor, type 7A. Also called: SPINAL MUSCULAR ATROPHY, DISTAL, WITH VOCAL CORD PARALYSIS; Neuronopathy, distal hereditary motor, type viia; HARPER-YOUNG MYOPATHY; HMN VIIA; NEURONOPATHY, DISTAL HEREDITARY MOTOR, HARDING TYPE VIIA; NEUROPATHY, DISTAL HEREDITARY MOTOR, HARDING TYPE VIIA. Identifiers: Orphanet 139589, MedGen C1834703, MONDO:0008024, OMIM 158580.

Allele frequency attached by ClinVar (database versions not stated): ExAC 0.00013; gnomAD exomes 0.00013; 1000 Genomes Project 30x 0.00016; TOPMed 0.00016; 1000 Genomes Project 0.00020; gnomAD 0.00023 and 0.00024; ESP Exome Variant Server 0.00031.
gnomAD v4.1: 552 of 1,613,882 alleles (0.034%); highest among the groups gnomAD compares: Non-Finnish European, 0.044%; no homozygotes.

Submissions (3):

Labcorp Genetics (formerly Invitae), Labcorp
Classification: Likely benign for Neuronopathy, distal hereditary motor, type 7A; Congenital myasthenic syndrome 20. Last evaluated: 2025-12-01. Review status: criteria provided, single submitter. Criteria: Invitae Variant Classification Sherloc (09022015). Collection method: clinical testing. Allele origin: germline.

CeGaT Center for Human Genetics Tuebingen
Classification: Likely benign. Last evaluated: 2022-06-01. Review status: criteria provided, single submitter. Criteria: CeGaT Center For Human Genetics Tuebingen Variant Classification Criteria Version 2. Collection method: clinical testing. Allele origin: germline. Affected: yes. Observed: 2 variant alleles.
Comment: SLC5A7: BP4, BP7

PreventionGenetics, part of Exact Sciences
Classification: Likely benign for SLC5A7-related condition. Last evaluated: 2019-08-06. Review status: no assertion criteria provided. Collection method: clinical testing. Allele origin: germline. Not counted in ClinVar's aggregate classification.
Comment: This variant is classified as likely benign based on ACMG/AMP sequence variant interpretation guidelines (Richards et al. 2015 PMID: 25741868, with internal and published modifications).